The following is an entry in ClinVar:

NM_002473.6(MYH9):c.2976+10G>T

Genes: MYH9 (myosin heavy chain 9; minus strand), LOC126863137 (CDK7 strongly-dependent group 2 enhancer GRCh37_chr22:36696002-36697201; plus strand). Cytogenetic location: 22q12.3.
Variant type: single nucleotide variant.
Coding change: c.2976+10G>T on transcript NM_002473.6 (MANE Select); 10 bases into the intron after coding-DNA position 2976, G replaced by T.
Molecular consequence: intron variant.
Genome position (GRCh38, 1-based): chr22:36,300,117, C>A on the plus strand (G>T on the coding strand, the complement: MYH9 is on the minus strand). VCF-style: chr22-36300117-C-A. GRCh37 (hg19) VCF-style: chr22-36696163-C-A.
Other names: c.2976+10G>T (NM_002473.5).
Identifiers: ClinVar variation 1190640 (VCV001190640.7), dbSNP rs371839289, ClinGen allele CA10209804.
Genomic context (GRCh38, chr22:36,300,117, plus strand): 5'-GCAAGGGTGACCACACTCTCCCATCCACGGCGCCCCTGGAGCAGCGGCAGGCGACAGCCA[C>A]GGGCCTCACCTTGGCCAGCTTGCAGTTCTGGTCCTCCAGGATGATCTGCTCCTCCTCCAG-3'

ClinVar aggregate classification (germline): Likely benign. Review status: criteria provided, multiple submitters, no conflicts (2 of 4 stars). 4 submissions from 4 submitters: Likely benign (3). 1 of the submissions does not count toward it. Last evaluated 2025-07-31.

Conditions:
MYH9-related disorder. Identifiers: MedGen C1854520.

Allele frequency attached by ClinVar (database versions not stated): TOPMed 0.00005; ESP Exome Variant Server 0.00015.
gnomAD v4.1: 289 of 1,609,556 alleles (0.018%); highest among the groups gnomAD compares: Non-Finnish European, 0.024%; no homozygotes.

Submissions (4):

Labcorp Genetics (formerly Invitae), Labcorp
Classification: Likely benign. Last evaluated: 2025-07-31. Review status: criteria provided, single submitter. Criteria: Invitae Variant Classification Sherloc (09022015). Collection method: clinical testing. Allele origin: germline.

Blueprint Genetics
Classification: Likely benign. Last evaluated: 2023-05-19. Review status: criteria provided, single submitter. Criteria: ACMG Guidelines, 2015. Collection method: clinical testing. Allele origin: germline.

GeneDx
Classification: Likely benign. Last evaluated: 2018-09-07. Review status: criteria provided, single submitter. Criteria: GeneDx Variant Classification Process June 2021. Collection method: clinical testing. Allele origin: germline. Affected: yes.

PreventionGenetics, part of Exact Sciences
Classification: Likely benign for MYH9-related condition. Last evaluated: 2021-12-09. Review status: no assertion criteria provided. Collection method: clinical testing. Allele origin: germline. Not counted in ClinVar's aggregate classification.
Comment: This variant is classified as likely benign based on ACMG/AMP sequence variant interpretation guidelines (Richards et al. 2015 PMID: 25741868, with internal and published modifications).